The following is an entry in ClinVar:

ClinVar aggregate classification (germline): Uncertain significance (1 of 4 stars; one submission).

Allele frequency attached by ClinVar (database versions not stated): gnomAD exomes below 0.00001.

Submission:

Labcorp Genetics (formerly Invitae), Labcorp
Classification: Uncertain significance. Last evaluated: 2021-11-26. Review status: criteria provided, single submitter. Criteria: Invitae Variant Classification Sherloc (09022015). Collection method: clinical testing. Allele origin: germline.
Comment: This sequence change replaces arginine, which is basic and polar, with glutamine, which is neutral and polar, at codon 239 of the GPR45 protein (p.Arg239Gln). This variant is present in population databases (no rsID available, gnomAD 0.0009%). This variant has not been reported in the literature in individuals affected with GPR45-related conditions. Algorithms developed to predict the effect of missense changes on protein structure and function (SIFT, PolyPhen-2, Align-GVGD) all suggest that this variant is likely to be tolerated. In summary, the available evidence is currently insufficient to determine the role of this variant in disease. Therefore, it has been classified as a Variant of Uncertain Significance.

NM_007227.3(GPR45):c.716G>A (p.Arg239Gln)

Gene: GPR45 (G protein-coupled receptor 45; plus strand). Cytogenetic location: 2q12.1.
Variant type: single nucleotide variant.
Coding change: c.716G>A on transcript NM_007227.3 (MANE Select); coding-DNA position 716, G replaced by A.
Protein change: p.Arg239Gln; replaces arginine 239 with glutamine.
Molecular consequence: missense variant.
Genome position (GRCh38, 1-based): chr2:105,242,574, G>A. VCF-style: chr2-105242574-G-A. GRCh37 (hg19) VCF-style: chr2-105859031-G-A.
Other names: short protein forms R239Q.
Identifiers: ClinVar variation 1425900 (VCV001425900.6), dbSNP rs1484547932, ClinGen allele CA348101079.